The following is an entry in ClinVar:

NM_000186.4(CFH):c.3004G>C (p.Gly1002Arg)

Gene: CFH (complement factor H; plus strand). Cytogenetic location: 1q31.3.
Variant type: single nucleotide variant.
Coding change: c.3004G>C on transcript NM_000186.4 (MANE Select); coding-DNA position 3004, G replaced by C.
Protein change: p.Gly1002Arg; replaces glycine 1002 with arginine.
Molecular consequence: missense variant.
Genome position (GRCh38, 1-based): chr1:196,741,922, G>C. VCF-style: chr1-196741922-G-C. GRCh37 (hg19) VCF-style: chr1-196711052-G-C.
Other names: short protein forms G1002R.
Identifiers: ClinVar variation 294513 (VCV000294513.16), dbSNP rs201816520, ClinGen allele CA1305806.

ClinVar aggregate classification (germline): Conflicting classifications of pathogenicity. Review status: criteria provided, conflicting classifications (1 of 4 stars). 10 submissions from 7 submitters: Uncertain significance (9); Likely benign (1). Last evaluated 2025-10-02.

Conditions:
Atypical hemolytic-uremic syndrome. Identifiers: Orphanet 2134, MedGen C2931788, MONDO:0016244.
Retinal dystrophy. Also called: Inherited retinal dystrophy. Identifiers: Orphanet 71862, MedGen C0854723, MeSH D058499, MONDO:0019118, HP:0000556.
Age related macular degeneration 4. Identifiers: MedGen C1853147, MONDO:0012540, OMIM 610698.
Hemolytic uremic syndrome, atypical, susceptibility to, 1. Also called: AHUS, SUSCEPTIBILITY TO, 1. Identifiers: Orphanet 2134, Orphanet 90038, MedGen C2749604, MONDO:0009335, OMIM 235400. Disease mechanism: Other.
Basal laminar drusen. Also called: DRUSEN OF BRUCH MEMBRANE; DRUSEN, CUTICULAR; DRUSEN, EARLY ADULT-ONSET, GROUPED. Identifiers: Orphanet 75376, MedGen C0730295, MONDO:0007472, OMIM 126700.
CFH-Related Dense Deposit Disease / Membranoproliferative Glomerulonephritis Type II. Identifiers: MedGen CN071292.

Allele frequency attached by ClinVar (database versions not stated): ESP Exome Variant Server 0.00008; gnomAD exomes 0.00008 and 0.00014; ExAC 0.00011; gnomAD 0.00014; TOPMed 0.00015.
gnomAD v4.1: 224 of 1,614,032 alleles (0.014%); highest among the groups gnomAD compares: Non-Finnish European, 0.018%; no homozygotes.

Submissions (10):

Genomenon, Inc
Classification: Uncertain significance for Age related macular degeneration 4. Last evaluated: 2025-10-02. Review status: criteria provided, single submitter. Criteria: Genomenon Sequence Variant Interpretation Standards - Updated. Collection method: curation. Allele origin: germline. Affected: yes.
Comment: CFH p.Gly1002Arg (c.3004G>C) is a missense variant that changes the amino acid at residue 1002 from Glycine to Arginine. This variant has been observed in at least one proband affected with age-related macular degeneration (PMID:35925583). It is absent or not present at a significant frequency in gnomAD. In silico models agree that this variant is not damaging. In conclusion, we classify CFH p.Gly1002Arg (c.3004G>C) as a variant of uncertain significance.

Labcorp Genetics (formerly Invitae), Labcorp
Classification: Uncertain significance. Last evaluated: 2025-08-17. Review status: criteria provided, single submitter. Criteria: Invitae Variant Classification Sherloc (09022015). Collection method: clinical testing. Allele origin: germline.
Comment: This sequence change replaces glycine, which is neutral and non-polar, with arginine, which is basic and polar, at codon 1002 of the CFH protein (p.Gly1002Arg). This variant is present in population databases (rs201816520, gnomAD 0.02%). This missense change has been observed in individual(s) with age-related macular degeneration (PMID: 34508573, 35925583). ClinVar contains an entry for this variant (Variation ID: 294513). An algorithm developed to predict the effect of missense changes on protein structure and function (PolyPhen-2) suggests that this variant is likely to be tolerated. In summary, the available evidence is currently insufficient to determine the role of this variant in disease. Therefore, it has been classified as a Variant of Uncertain Significance.

Women's Health and Genetics/Laboratory Corporation of America, LabCorp
Classification: Uncertain significance. Last evaluated: 2024-06-26. Review status: criteria provided, single submitter. Criteria: LabCorp Variant Classification Summary - May 2015. Collection method: clinical testing. Allele origin: germline.
Comment: Variant summary: CFH c.3004G>C (p.Gly1002Arg) results in a non-conservative amino acid change located in the Sushi/SCR/CCP domain (IPR000436) of the encoded protein sequence. Three of five in-silico tools predict a damaging effect of the variant on protein function. The variant allele was found at a frequency of 8e-05 in 251358 control chromosomes. This frequency is not significantly higher than estimated for a pathogenic variant in CFH causing Age-Related Macular Degeneration, allowing no conclusion about variant significance. c.3004G>C has been reported in the literature in at least one individual affected with Age-Related Macular Degeneration (Farinha_2022). These report(s) do not provide unequivocal conclusions about association of the variant with Age-Related Macular Degeneration. To our knowledge, no experimental evidence demonstrating an impact on protein function has been reported. The following publication has been ascertained in the context of this evaluation (PMID: 35925583). ClinVar contains an entry for this variant (Variation ID: 294513). Based on the evidence outlined above, the variant was classified as uncertain significance.

Department of Pathology and Laboratory Medicine, Sinai Health System
Classification: Uncertain significance for atypical hemolytic-uremic syndrome. Last evaluated: 2023-02-17. Review status: criteria provided, single submitter. Criteria: ACMG Guidelines, 2015. Collection method: research. Allele origin: germline.

Genome Diagnostics Laboratory, The Hospital for Sick Children
Classification: Uncertain significance for Atypical hemolytic-uremic syndrome. Last evaluated: 2022-03-03. Review status: criteria provided, single submitter. Criteria: ACMG Guidelines, 2015. Collection method: clinical testing. Allele origin: germline.

Institute of Human Genetics, Univ. Regensburg, Univ. Regensburg
Classification: Uncertain significance for Retinal dystrophy. Last evaluated: 2021-01-01. Review status: criteria provided, single submitter. Criteria: ACMG Guidelines, 2015. Collection method: clinical testing. Allele origin: germline. Affected: yes.

Illumina Laboratory Services, Illumina
Classification: Uncertain significance for Basal laminar drusen. Last evaluated: 2018-01-13. Review status: criteria provided, single submitter. Criteria: ICSL Variant Classification Criteria 13 December 2019. Collection method: clinical testing. Allele origin: germline.

Illumina Laboratory Services, Illumina
Classification: Uncertain significance for Membranoproliferative glomerulonephritis with complement factor h deficiency. Last evaluated: 2018-01-13. Review status: criteria provided, single submitter. Criteria: ICSL Variant Classification Criteria 13 December 2019. Collection method: clinical testing. Allele origin: germline.

Illumina Laboratory Services, Illumina
Classification: Likely benign for Hemolytic uremic syndrome, atypical, susceptibility to, 1. Last evaluated: 2018-01-13. Review status: criteria provided, single submitter. Criteria: ICSL Variant Classification Criteria 13 December 2019. Collection method: clinical testing. Allele origin: germline.
Comment: This variant was observed in the ICSL laboratory as part of a predisposition screen in an ostensibly healthy population. It had not been previously curated by ICSL or reported in the Human Gene Mutation Database (HGMD: prior to June 1st, 2018), and was therefore a candidate for classification through an automated scoring system. Utilizing variant allele frequency, disease prevalence and penetrance estimates, and inheritance mode, an automated score was calculated to assess if this variant is too frequent to cause the disease. Based on the score and internal cut-off values, a variant classified as likely benign is not then subjected to further curation. The score for this variant resulted in a classification of likely benign for this disease.

Illumina Laboratory Services, Illumina
Classification: Uncertain significance for Age related macular degeneration 4. Last evaluated: 2018-01-13. Review status: criteria provided, single submitter. Criteria: ICSL Variant Classification Criteria 13 December 2019. Collection method: clinical testing. Allele origin: germline.

Literature cited by the submitters: PubMed 35925583 (cited by 4 submitters); PubMed 34508573 (cited by Labcorp Genetics (formerly Invitae), Labcorp).